The following is an entry in ClinVar:

NM_000059.4(BRCA2):c.3080_3107del (p.Ser1027fs)

Gene: BRCA2 (BRCA2 DNA repair associated; plus strand). Cytogenetic location: 13q13.1.
Variant type: Deletion.
Coding change: c.3080_3107del on transcript NM_000059.4 (MANE Select); coding-DNA positions 3080 to 3107, 28 bases deleted (GCAAAATGTTCTTCAAAGATATTGAAGA).
Protein change: p.Ser1027fs; shifts the reading frame from serine 1027.
Molecular consequence: frameshift variant.
Genome position (GRCh38, 1-based): chr13:32,337,435-32,337,462, GCAAAATGTTCTTCAAAGATATTGAAGA deleted; deleting any 28 consecutive bases within chr13:32,337,430-32,337,462 gives the same sequence; the c. name uses the placement nearest the transcript's 3' end. VCF-style (leftmost placement, unchanged base first): chr13-32337429-AGAAGAGCAAAATGTTCTTCAAAGATATT-A. GRCh37 (hg19) VCF-style: chr13-32911566-AGAAGAGCAAAATGTTCTTCAAAGATATT-A.
Other names: short protein forms S1027fs.
Identifiers: ClinVar variation 962398 (VCV000962398.8), dbSNP rs2072471826, ClinGen allele CA1139663135.
Genomic context (GRCh38, chr13:32,337,429, plus strand): 5'-TTGGAGGTAGCTTCAGAACAGCTTCAAATAAGGAAATCAAGCTCTCTGAACATAACATTA[AGAAGAGCAAAATGTTCTTCAAAGATATT>A]GAAGAACAATATCCTACTAGTTTAGCTTGTGTTGAAATTGTAAATACCTTGGCATTAGAT-3'

ClinVar aggregate classification (germline): Pathogenic (1 of 4 stars; one submission).

Conditions:
Hereditary breast ovarian cancer syndrome. Also called: BRCA1- and BRCA2-Associated Hereditary Breast and Ovarian Cancer; Hereditary breast and ovarian cancer; Hereditary breast and/or ovarian cancer syndrome; Hereditary breast and ovarian cancer syndrome; Hereditary breast and ovarian cancer syndrome (HBOC); Breast and ovarian cancer. Identifiers: Orphanet 145, MedGen C0677776, MeSH D061325, MONDO:0003582. Disease mechanism: loss of function.

Submission:

Labcorp Genetics (formerly Invitae), Labcorp
Classification: Pathogenic for Hereditary breast ovarian cancer syndrome. Last evaluated: 2019-08-22. Review status: criteria provided, single submitter. Criteria: Invitae Variant Classification Sherloc (09022015). Collection method: clinical testing. Allele origin: germline.
Comment: For these reasons, this variant has been classified as Pathogenic. Loss-of-function variants in BRCA2 are known to be pathogenic (PMID: 20104584). This variant has not been reported in the literature in individuals with BRCA2-related conditions. This variant is not present in population databases (ExAC no frequency). This sequence change creates a premature translational stop signal (p.Ser1027Asnfs*7) in the BRCA2 gene. It is expected to result in an absent or disrupted protein product.

Literature cited by the submitters: PubMed 20104584.